The following is an entry in ClinVar:

ClinVar aggregate classification (germline): Pathogenic (1 of 4 stars; one submission).

Conditions:
Mucopolysaccharidosis, MPS-IV-A (MPS4A). Also called: Morquio syndrome A, mild; MORQUIO SYNDROME A; GALACTOSAMINE-6-SULFATASE DEFICIENCY; GALNS DEFICIENCY; MORQUIO A DISEASE; Mucopolysaccharidosis type IV A. Identifiers: Orphanet 309297, Orphanet 582, MedGen C0086651, MONDO:0009659, OMIM 253000.

Submission:

Labcorp Genetics (formerly Invitae), Labcorp
Classification: Pathogenic for Mucopolysaccharidosis, MPS-IV-A. Last evaluated: 2023-08-14. Review status: criteria provided, single submitter. Criteria: Invitae Variant Classification Sherloc (09022015). Collection method: clinical testing. Allele origin: unknown.
Comment: For these reasons, this variant has been classified as Pathogenic. This variant disrupts a region of the GALNS protein in which other variant(s) (p.Gly301Cys) have been determined to be pathogenic (PMID: 9298823, 9385378, 10814710, 15235041, 17876718, 23876334). This suggests that this is a clinically significant region of the protein, and that variants that disrupt it are likely to be disease-causing. A similar copy number variant has been observed in individual(s) with mucopolysaccharidosis type IVA (PMID: 25545067). This variant is a gross deletion of the genomic region encompassing exon(s) 9-14 of the GALNS gene, which includes the termination codon. This deletion extends beyond the assayed region for this gene and therefore may encompass additional genes. While this deletion is not anticipated to lead to nonsense mediated decay, it is expected to alter mRNA translation or result in a truncated protein product.

Literature cited by the submitters: PubMed 9298823; PubMed 9385378; PubMed 10814710; PubMed 15235041; PubMed 17876718; PubMed 23876334; PubMed 25545067.

NC_000016.9:g.(?_88880847)_(88898529_?)del

Gene: GALNS (galactosamine (N-acetyl)-6-sulfatase; minus strand). Cytogenetic location: 16q24.3.
Variant type: Deletion.
Identifiers: ClinVar variation 3243325 (VCV003243325.1).